The following is an entry in ClinVar:

ClinVar aggregate classification (germline): Uncertain significance. Review status: criteria provided, single submitter (1 of 4 stars). 2 submissions from 2 submitters: Uncertain significance (1). 1 of the submissions does not count toward it. Last evaluated 2022-10-09.

Conditions:
MAGEL2-related disorder. Also called: MAGEL2-related condition.

Allele frequency attached by ClinVar (database versions not stated): gnomAD 0.00001.
gnomAD v4.1: 17 of 1,378,618 alleles (0.0012%); highest among the groups gnomAD compares: East Asian, 0.015%; no homozygotes.

Submissions (2):

Labcorp Genetics (formerly Invitae), Labcorp
Classification: Uncertain significance. Last evaluated: 2022-10-09. Review status: criteria provided, single submitter. Criteria: Invitae Variant Classification Sherloc (09022015). Collection method: clinical testing. Allele origin: germline.
Comment: This variant has not been reported in the literature in individuals affected with MAGEL2-related conditions. This variant is not present in population databases (gnomAD no frequency). This sequence change replaces arginine, which is basic and polar, with leucine, which is neutral and non-polar, at codon 459 of the MAGEL2 protein (p.Arg459Leu). Experimental studies and prediction algorithms are not available or were not evaluated, and the functional significance of this variant is currently unknown. In summary, the available evidence is currently insufficient to determine the role of this variant in disease. Therefore, it has been classified as a Variant of Uncertain Significance.

PreventionGenetics, part of Exact Sciences
Classification: Uncertain significance for MAGEL2-related condition. Last evaluated: 2024-05-31. Review status: no assertion criteria provided. Collection method: clinical testing. Allele origin: germline. Not counted in ClinVar's aggregate classification.
Comment: The MAGEL2 c.1376G>T variant is predicted to result in the amino acid substitution p.Arg459Leu. To our knowledge, this variant has not been reported in the literature or in a large population database, indicating this variant is rare. At this time, the clinical significance of this variant is uncertain due to the absence of conclusive functional and genetic evidence.

NM_019066.5(MAGEL2):c.1376G>T (p.Arg459Leu)

Gene: MAGEL2 (MAGE family member L2; minus strand). Cytogenetic location: 15q11.2.
Variant type: single nucleotide variant.
Coding change: c.1376G>T on transcript NM_019066.5 (MANE Select); coding-DNA position 1376, G replaced by T.
Protein change: p.Arg459Leu; replaces arginine 459 with leucine.
Molecular consequence: missense variant.
Genome position (GRCh38, 1-based): chr15:23,646,367, C>A on the plus strand (G>T on the coding strand, the complement: MAGEL2 is on the minus strand). VCF-style: chr15-23646367-C-A. GRCh37 (hg19) VCF-style: chr15-23891514-C-A.
Other names: c.1376G>T (NM_019066.4); short protein forms R459L.
Identifiers: ClinVar variation 1931223 (VCV001931223.6), dbSNP rs1038598112, ClinGen allele CA391334237.
Genomic context (GRCh38, chr15:23,646,367, plus strand): 5'-ATCACAGGTGGGGCCTGGCGGATCACAGGTGGGGCCTGGCGGATCACAGCGGGGGCCTGG[C>A]GGATCACGGGTGGGGCCTGGCGGATCACGGGTGGGGCCTGGCGGATCACCGGTGGGGCCT-3'
Protein context (NP_061939.3, residues 449-469): PVIRQAPPVI[Arg459Leu]QAPAVIRQAP